The following is an entry in ClinVar:

ClinVar aggregate classification (germline): Pathogenic/Likely pathogenic. Review status: criteria provided, multiple submitters, no conflicts (2 of 4 stars). 2 submissions from 2 submitters: Pathogenic (1); Likely pathogenic (1). Last evaluated 2024-04-22.

Conditions:
Hypertrophic cardiomyopathy. Also called: HYPERTROPHIC MYOCARDIOPATHY. Identifiers: Orphanet 217569, MedGen C0007194, MeSH D002312, MONDO:0005045, HP:0001639.

Submissions (2):

Labcorp Genetics (formerly Invitae), Labcorp
Classification: Pathogenic for Hypertrophic cardiomyopathy. Last evaluated: 2024-04-22. Review status: criteria provided, single submitter. Criteria: Invitae Variant Classification Sherloc (09022015). Collection method: clinical testing. Allele origin: germline.
Comment: This sequence change creates a premature translational stop signal (p.Trp916*) in the MYBPC3 gene. It is expected to result in an absent or disrupted protein product. Loss-of-function variants in MYBPC3 are known to be pathogenic (PMID: 19574547). This variant is not present in population databases (gnomAD no frequency). This premature translational stop signal has been observed in individual(s) with hypertrophic cardiomyopathy (PMID: 24793961, 25611685, 27532257). ClinVar contains an entry for this variant (Variation ID: 180982). For these reasons, this variant has been classified as Pathogenic.

GeneDx
Classification: Likely pathogenic. Last evaluated: 2022-05-24. Review status: criteria provided, single submitter. Criteria: GeneDx Variant Classification Process June 2021. Collection method: clinical testing. Allele origin: germline. Affected: yes.
Comment: Reported in individuals with HCM (Bos et al., 2014; Walsh et al., 2017; Gao et al., 2020); Nonsense variant predicted to result in protein truncation or nonsense mediated decay in a gene for which loss of function is a known mechanism of disease; Not observed at significant frequency in large population cohorts (gnomAD); This variant is associated with the following publications: (PMID: 27532257, 24793961, 32344918)

Literature cited by the submitters: PubMed 19574547 (cited by Labcorp Genetics (formerly Invitae), Labcorp); PubMed 24793961 (cited by Labcorp Genetics (formerly Invitae), Labcorp); PubMed 25611685 (cited by Labcorp Genetics (formerly Invitae), Labcorp); PubMed 27532257 (cited by Labcorp Genetics (formerly Invitae), Labcorp).

NM_000256.3(MYBPC3):c.2748G>A (p.Trp916Ter)

Gene: MYBPC3 (myosin binding protein C3; minus strand). Cytogenetic location: 11p11.2.
Variant type: single nucleotide variant.
Coding change: c.2748G>A on transcript NM_000256.3 (MANE Select); coding-DNA position 2748, G replaced by A.
Protein change: p.Trp916Ter; replaces tryptophan 916 with a stop codon.
Molecular consequence: nonsense.
Genome position (GRCh38, 1-based): chr11:47,335,199, C>T on the plus strand (G>A on the coding strand, the complement: MYBPC3 is on the minus strand). VCF-style: chr11-47335199-C-T. GRCh37 (hg19) VCF-style: chr11-47356750-C-T.
Other names: p.W916*:TGG>TGA; c.2748G>A, p.Trp916Ter (LRG_386t1); short protein forms W916*.
Identifiers: ClinVar variation 180982 (VCV000180982.12), dbSNP rs730880576, ClinGen allele CA012943.
Genomic context (GRCh38, chr11:47,335,199, plus strand): 5'-CGTGGGCAGGTCCTTCACCAGTATCGATGTGTGCTCTGTCAGCCCCTGCAGGGCAGCCAC[C>T]CACTCTGAGCCTGGGGGTGGGGAGGGGGAGGCAAGGCCACAGGCTGTGTCACCACTGACA-3'